The following is an entry in ClinVar:

ClinVar aggregate classification (germline): Uncertain significance. Review status: criteria provided, multiple submitters, no conflicts (2 of 4 stars). 2 submissions from 2 submitters: Uncertain significance (2). Last evaluated 2022-07-06.

Allele frequency attached by ClinVar (database versions not stated): gnomAD 0.00001 and 0.00003; gnomAD exomes 0.00002 and 0.00010; TOPMed 0.00003; ExAC 0.00010; 1000 Genomes Project 30x 0.00062; 1000 Genomes Project 0.00080.
gnomAD v4.1: 39 of 1,614,168 alleles (0.0024%); highest among the groups gnomAD compares: East Asian, 0.047%; no homozygotes.

Submissions (2):

Labcorp Genetics (formerly Invitae), Labcorp
Classification: Uncertain significance. Last evaluated: 2022-07-06. Review status: criteria provided, single submitter. Criteria: Invitae Variant Classification Sherloc (09022015). Collection method: clinical testing. Allele origin: germline.
Comment: This sequence change replaces threonine, which is neutral and polar, with isoleucine, which is neutral and non-polar, at codon 399 of the VIPAS39 protein (p.Thr399Ile). This variant is present in population databases (rs377223868, gnomAD 0.1%). This variant has not been reported in the literature in individuals affected with VIPAS39-related conditions. ClinVar contains an entry for this variant (Variation ID: 501528). Algorithms developed to predict the effect of missense changes on protein structure and function are either unavailable or do not agree on the potential impact of this missense change (SIFT: "Deleterious"; PolyPhen-2: "Possibly Damaging"; Align-GVGD: "Class C0"). In summary, the available evidence is currently insufficient to determine the role of this variant in disease. Therefore, it has been classified as a Variant of Uncertain Significance.

Eurofins Ntd Llc (ga)
Classification: Uncertain significance. Last evaluated: 2018-09-13. Review status: criteria provided, single submitter. Criteria: EGL ClinVar v180209 classification definitions. Collection method: clinical testing. Allele origin: germline. Observed: 2 variant alleles, 2 heterozygotes.

NM_001193315.2(VIPAS39):c.1196C>T (p.Thr399Ile)

Gene: VIPAS39 (VPS33B interacting protein, apical-basolateral polarity regulator, spe-39 homolog; minus strand). Cytogenetic location: 14q24.3.
Variant type: single nucleotide variant.
Coding change: c.1196C>T on transcript NM_001193315.2 (MANE Select); coding-DNA position 1196, C replaced by T.
Protein change: p.Thr399Ile; replaces threonine 399 with isoleucine.
Molecular consequence: missense variant.
Genome position (GRCh38, 1-based): chr14:77,429,751, G>A on the plus strand (C>T on the coding strand, the complement: VIPAS39 is on the minus strand). VCF-style: chr14-77429751-G-A. GRCh37 (hg19) VCF-style: chr14-77896094-G-A.
Other names: c.1196C>T, p.Thr399Ile (NM_001193314.2, NM_001193317.2, NM_022067.4); c.1049C>T, p.Thr350Ile (NM_001193316.2); short protein forms T399I, T350I.
Identifiers: ClinVar variation 501528 (VCV000501528.6), dbSNP rs377223868, ClinGen allele CA7287796.
Genomic context (GRCh38, chr14:77,429,751, plus strand): 5'-GCATTGTTCTTGTGCAAAATTTCGACAACCCGATGGAAGCCAATGGGTGCTCTCTTCTTG[G>A]TATAGCCCAGCCAGTTCTGAAAGAGGAAGATGGGGTAGCGGCAGGTAGGCCAGGCACACT-3'
Protein context (NP_001180244.1, residues 389-409): LFTTKNWLGY[Thr399Ile]KKRAPIGFHR